The following is an entry in ClinVar:

ClinVar aggregate classification (germline): Likely benign (1 of 4 stars; one submission).

Submission:

CeGaT Center for Human Genetics Tuebingen
Classification: Likely benign. Last evaluated: 2025-11-01. Review status: criteria provided, single submitter. Criteria: CeGaT Center For Human Genetics Tuebingen Variant Classification Criteria Version 2. Collection method: clinical testing. Allele origin: germline. Affected: yes. Observed: 1 variant allele.
Comment: ATP10B: BP4

NM_025153.3(ATP10B):c.590A>G (p.Asn197Ser)

Gene: ATP10B (ATPase phospholipid transporting 10B (putative); minus strand). Cytogenetic location: 5q34.
Variant type: single nucleotide variant.
Coding change: c.590A>G on transcript NM_025153.3 (MANE Select); coding-DNA position 590, A replaced by G.
Protein change: p.Asn197Ser; replaces asparagine 197 with serine.
Molecular consequence: missense variant.
Genome position (GRCh38, 1-based): chr5:160,670,548, T>C on the plus strand (A>G on the coding strand, the complement: ATP10B is on the minus strand). VCF-style: chr5-160670548-T-C. GRCh37 (hg19) VCF-style: chr5-160097555-T-C.
Other names: c.590A>G, p.Asn197Ser (NM_001366652.1, NM_001366653.2, NM_001366655.1 and 2 more transcripts); c.722A>G, p.Asn241Ser (NM_001366654.2); c.506A>G, p.Asn169Ser (NM_001366658.2, NM_001410822.1); short protein forms N169S, N197S, N241S.
Identifiers: ClinVar variation 4533542 (VCV004533542.6).
Genomic context (GRCh38, chr5:160,670,548, plus strand): 5'-CATCTTTGCTTGAGGTTTGTCTCTCCATCCAAGCTGGCAGTTTCCAGATGGCATATCCCA[T>C]TGGGGTCAGAGGAAAAAAGGAGGAGTATGTCTGCTGGGACAATCTCATTGCATTTCATTT-3'
Protein context (NP_079429.2, residues 187-207): DILLLFSSDP[Asn197Ser]GICHLETASL